The following is an entry in ClinVar:

ClinVar aggregate classification (germline): Likely pathogenic. Review status: criteria provided, multiple submitters, no conflicts (2 of 4 stars). 2 submissions from 2 submitters: Likely pathogenic (2). Last evaluated 2022-11-28.

Conditions:
SCN1A-related disorder. Also called: SCN1A-related disorders; SCN1A-related conditions; SCN1A-related condition.
Generalized epilepsy with febrile seizures plus, type 2 (GEFSP2). Also called: GEFS+, TYPE 2. Identifiers: Orphanet 36387, MedGen C1858673, MONDO:0011461, OMIM 604403.
Severe myoclonic epilepsy in infancy (DRVT). Also called: SEVERE MYOCLONIC EPILEPSY OF INFANCY; DEVELOPMENTAL AND EPILEPTIC ENCEPHALOPATHY 6A; Severe Myoclonic Epilepsy in Infancy (SMEI); Epileptic encephalopathy, early infantile, 6 (Dravet syndrome); Dravet syndrome. Identifiers: Orphanet 33069, MedGen C0751122, MONDO:0100135, OMIM 607208.

Submissions (2):

Blueprint Genetics
Classification: Likely pathogenic for SCN1A-related disorders. Last evaluated: 2022-11-28. Review status: criteria provided, single submitter. Criteria: ACMG Guidelines, 2015. Collection method: clinical testing. Allele origin: germline. Affected: yes. Observed: 3 variant alleles.

Foundation for Research in Genetics and Endocrinology, FRIGE's Institute of Human Genetics
Classification: Likely pathogenic for Severe myoclonic epilepsy in infancy; Generalized epilepsy with febrile seizures plus, type 2. Last evaluated: 2020-12-30. Review status: criteria provided, single submitter. Criteria: ACMG Guidelines, 2015. Collection method: clinical testing. Allele origin: germline. Inheritance: Autosomal dominant inheritance. Affected: yes. Observed: 1 heterozygote.
Comment: A heterozygous missense variation in exon 10 of the SCN1A gene that results in the amino acid substitution of Leucine for Proline at codon 346 was detected. The observed variant c. 1037C>T (p.Pro346Leu) lies in the ion transport protein domain of the SCN1A protein and a missense mutation in this domain affecting a nearby codon (p.Cys345Tyr) in a patient affected with severe myoclonic epilepsy in infancy was reported [Martin et al. 2010]. The variant has not been reported in the 1000 genomes and gnomAD databases. The in silico predictions of the variant is probably damaging by PolyPhen-2 (HumDiv) and damaging by SIFT, LRT, and MutationTaster2. The reference codon is conserved across species. In summary, the variant meets our criteria to be classified as likely pathogenic.

NM_001165963.4(SCN1A):c.1037C>T (p.Pro346Leu)

Gene: SCN1A (sodium voltage-gated channel alpha subunit 1; minus strand). Cytogenetic location: 2q24.3.
Variant type: single nucleotide variant.
Coding change: c.1037C>T on transcript NM_001165963.4 (MANE Select); coding-DNA position 1037, C replaced by T.
Protein change: p.Pro346Leu; replaces proline 346 with leucine.
Molecular consequence: missense variant. On other transcripts: 5 prime UTR variant (1), non-coding transcript variant (1).
Genome position (GRCh38, 1-based): chr2:166,047,760, G>A on the plus strand (C>T on the coding strand, the complement: SCN1A is on the minus strand). VCF-style: chr2-166047760-G-A. GRCh37 (hg19) VCF-style: chr2-166904270-G-A.
Other names: c.1037C>T, p.Pro346Leu (NM_001165964.3, NM_001202435.3, NM_001353948.2 and 10 more transcripts); c.-1389C>T (NM_001353961.2); short protein forms P346L.
Identifiers: ClinVar variation 1064582 (VCV001064582.5), dbSNP rs2105868295, ClinGen allele CA349071447.